The following is an entry in ClinVar:

ClinVar aggregate classification (germline): Likely benign (1 of 4 stars; one submission).

gnomAD v4.1: 218 of 1,613,940 alleles (0.014%); highest among the groups gnomAD compares: Middle Eastern, 0.18%; 1 homozygote.

Submission:

CeGaT Center for Human Genetics Tuebingen
Classification: Likely benign. Last evaluated: 2026-02-01. Review status: criteria provided, single submitter. Criteria: CeGaT Center For Human Genetics Tuebingen Variant Classification Criteria Version 2. Collection method: clinical testing. Allele origin: germline. Affected: yes. Observed: 1 variant allele.
Comment: GATAD2A: BP4, BS2

NM_001384528.1(GATAD2A):c.193G>C (p.Glu65Gln)

Gene: GATAD2A (GATA zinc finger domain containing 2A; plus strand). Cytogenetic location: 19p13.11.
Variant type: single nucleotide variant.
Coding change: c.193G>C on transcript NM_001384528.1 (MANE Select); coding-DNA position 193, G replaced by C.
Protein change: p.Glu65Gln; replaces glutamic acid 65 with glutamine.
Molecular consequence: missense variant. On other transcripts: 5 prime UTR variant (2), non-coding transcript variant (1).
Genome position (GRCh38, 1-based): chr19:19,465,538, G>C. VCF-style: chr19-19465538-G-C. GRCh37 (hg19) VCF-style: chr19-19576347-G-C.
Other names: c.193G>C, p.Glu65Gln (NM_001300946.3, NM_001359631.2, NM_001384511.1 and 27 more transcripts); c.-104G>C (NM_001384540.1, NM_001384541.1); short protein forms E65Q.
Identifiers: ClinVar variation 4820871 (VCV004820871.4).
Genomic context (GRCh38, chr19:19,465,538, plus strand): 5'-GACATGAGGGTGACACCTGAGCCGGGAGCAGGTCCAACCCAAGGATTGCTGAGGGCAACA[G>C]AGGCCACGGCCATGGCCATGGGCAGAGGCGAAGGGCTGGTGGGCGATGGGCCCGTGGACA-3'
Protein context (NP_001371457.1, residues 55-75): GPTQGLLRAT[Glu65Gln]ATAMAMGRGE